The following is an entry in ClinVar:

ClinVar aggregate classification (germline): Benign/Likely benign. Review status: criteria provided, multiple submitters, no conflicts (2 of 4 stars). 2 submissions from 2 submitters: Benign (1); Likely benign (1). Last evaluated 2024-12-20.

Conditions:
Hereditary cancer-predisposing syndrome. Also called: Neoplastic Syndromes, Hereditary; Tumor predisposition; Hereditary Cancer Syndrome; Hereditary neoplastic syndrome. Identifiers: Orphanet 140162, MedGen C0027672, MeSH D009386, MONDO:0015356.
Lynch syndrome 5 (LYNCH5). Also called: Colorectal cancer, hereditary nonpolyposis, type 5; Hereditary non-polyposis colorectal cancer, type 5. Identifiers: Orphanet 144, MedGen C1833477, MONDO:0013710, OMIM 614350. Disease mechanism: loss of function.

Submissions (2):

Myriad Genetics, Inc.
Classification: Benign for Lynch syndrome 5. Last evaluated: 2024-12-20. Review status: criteria provided, single submitter. Criteria: Myriad Autosomal Dominant, Autosomal Recessive and X-Linked Classification Criteria (2023). Collection method: clinical testing. Allele origin: unknown.
Comment: This variant is considered benign. This variant is a silent/synonymous amino acid change and it is not expected to impact splicing.

Ambry Genetics
Classification: Likely benign for Hereditary cancer-predisposing syndrome. Last evaluated: 2022-06-16. Review status: criteria provided, single submitter. Criteria: Ambry Variant Classification Scheme 2023. Collection method: clinical testing. Allele origin: germline.

NM_000179.3(MSH6):c.1062A>T (p.Gly354=)

Gene: MSH6 (mutS homolog 6; plus strand). Cytogenetic location: 2p16.3.
Variant type: single nucleotide variant.
Coding change: c.1062A>T on transcript NM_000179.3 (MANE Select); coding-DNA position 1062, A replaced by T.
Protein change: p.Gly354=; no amino-acid change (glycine 354 retained).
Molecular consequence: synonymous variant. On other transcripts: non-coding transcript variant (4), intron variant (1).
Genome position (GRCh38, 1-based): chr2:47,799,045, A>T. VCF-style: chr2-47799045-A-T. GRCh37 (hg19) VCF-style: chr2-48026184-A-T.
Other names: c.672A>T, p.Gly224= (NM_001281492.2); c.156A>T, p.Gly52= (NM_001281493.2, NM_001281494.2, NM_001406811.1 and 6 more transcripts); c.1158A>T, p.Gly386= (NM_001406795.1, NM_001406802.1); c.1062A>T, p.Gly354= (NM_001406796.1, NM_001406798.1, NM_001406800.1 and 4 more transcripts); c.765A>T, p.Gly255= (NM_001406797.1, NM_001406801.1, NM_001406805.1 and 10 more transcripts); c.537A>T, p.Gly179= (NM_001406799.1, NM_001406806.1, NM_001406807.1); c.984A>T, p.Gly328= (NM_001406804.1); c.1068A>T, p.Gly356= (NM_001406813.1); and 2 more.
Identifiers: ClinVar variation 1780581 (VCV001780581.3), dbSNP rs1333491667, ClinGen allele CA426120922.